The following is an entry in ClinVar:

NM_001349253.2(SCN11A):c.3006C>T (p.Gly1002=)

Gene: SCN11A (sodium voltage-gated channel alpha subunit 11; minus strand). Cytogenetic location: 3p22.2.
Variant type: single nucleotide variant.
Coding change: c.3006C>T on transcript NM_001349253.2 (MANE Select); coding-DNA position 3006, C replaced by T.
Protein change: p.Gly1002=; no amino-acid change (glycine 1002 retained).
Molecular consequence: synonymous variant.
Genome position (GRCh38, 1-based): chr3:38,885,346, G>A on the plus strand (C>T on the coding strand, the complement: SCN11A is on the minus strand). VCF-style: chr3-38885346-G-A. GRCh37 (hg19) VCF-style: chr3-38926837-G-A.
Other names: c.3006C>T, p.Gly1002= (NM_014139.3).
Identifiers: ClinVar variation 771644 (VCV000771644.13), dbSNP rs147609103, ClinGen allele CA2321895.

ClinVar aggregate classification (germline): Benign. Review status: criteria provided, multiple submitters, no conflicts (2 of 4 stars). 3 submissions from 3 submitters: Benign (2). 1 of the submissions does not count toward it. Last evaluated 2025-12-11.

Conditions:
Hereditary sensory and autonomic neuropathy type 7. Also called: Neuropathy, hereditary sensory and autonomic, type VII; HSAN VII. Identifiers: Orphanet 391397, MedGen C3809882, MONDO:0014244, OMIM 615548.
Familial episodic pain syndrome with predominantly lower limb involvement. Also called: Episodic pain syndrome, familial, 3. Identifiers: Orphanet 391384, Orphanet 391392, MedGen C3809899, MONDO:0014247, OMIM 615552.
SCN11A-related disorder. Also called: SCN11A-related condition.

Allele frequency attached by ClinVar (database versions not stated): gnomAD exomes 0.00004 and 0.00009; gnomAD 0.00033 and 0.00031; TOPMed 0.00048; 1000 Genomes Project 30x 0.00062; ExAC 0.00015; ESP Exome Variant Server 0.00054; 1000 Genomes Project 0.00080.
gnomAD v4.1: 105 of 1,613,710 alleles (0.0065%); highest among the groups gnomAD compares: African/African-American, 0.13%; 1 homozygote.

Submissions (3):

Women's Health and Genetics/Laboratory Corporation of America, LabCorp
Classification: Benign. Last evaluated: 2025-12-11. Review status: criteria provided, single submitter. Criteria: LabCorp Variant Classification Summary - May 2015. Collection method: clinical testing. Allele origin: germline.

Labcorp Genetics (formerly Invitae), Labcorp
Classification: Benign for Familial episodic pain syndrome with predominantly lower limb involvement; Hereditary sensory and autonomic neuropathy type 7. Last evaluated: 2025-10-08. Review status: criteria provided, single submitter. Criteria: Invitae Variant Classification Sherloc (09022015). Collection method: clinical testing. Allele origin: germline.

PreventionGenetics, part of Exact Sciences
Classification: Likely benign for SCN11A-related condition. Last evaluated: 2020-02-17. Review status: no assertion criteria provided. Collection method: clinical testing. Allele origin: germline. Not counted in ClinVar's aggregate classification.
Comment: This variant is classified as likely benign based on ACMG/AMP sequence variant interpretation guidelines (Richards et al. 2015 PMID: 25741868, with internal and published modifications).